The following is an entry in ClinVar:

NM_001276345.2(TNNT2):c.294+6C>T

Gene: TNNT2 (troponin T2, cardiac type; minus strand). Cytogenetic location: 1q32.1.
Variant type: single nucleotide variant.
Coding change: c.294+6C>T on transcript NM_001276345.2 (MANE Select); 6 bases into the intron after coding-DNA position 294, C replaced by T.
Molecular consequence: intron variant.
Genome position (GRCh38, 1-based): chr1:201,365,604, G>A on the plus strand (C>T on the coding strand, the complement: TNNT2 is on the minus strand). VCF-style: chr1-201365604-G-A. GRCh37 (hg19) VCF-style: chr1-201334732-G-A.
Other names: c.249+6C>T (NM_001001432.3); c.264+6C>T (NM_001001431.3, NM_001001430.3, NM_001276347.2); c.291+6C>T (NM_001276346.2); c.294+6C>T (NM_000364.4).
Identifiers: ClinVar variation 404399 (VCV000404399.9), dbSNP rs758051932, ClinGen allele CA088965.

ClinVar aggregate classification (germline): Uncertain significance. Review status: criteria provided, multiple submitters, no conflicts (2 of 4 stars). 2 submissions from 2 submitters: Uncertain significance (2). Last evaluated 2025-11-09.

Conditions:
Dilated cardiomyopathy 1D. Identifiers: Orphanet 154, Orphanet 54260, MedGen C1832243, MONDO:0011095, OMIM 601494.
Hypertrophic cardiomyopathy 2. Also called: TNNT2-Related Familial Hypertrophic Cardiomyopathy. Identifiers: MedGen C1861864, MONDO:0007266, OMIM 115195.
Cardiomyopathy, familial restrictive, 3. Identifiers: Orphanet 75249, MedGen C2676271, MONDO:0012900, OMIM 612422.
Cardiomyopathy (CMYO). Also called: Cardiomyopathies. Identifiers: Orphanet 167848, MedGen C0878544, MONDO:0004994, HP:0001638. Inheritance: Various modes of inheritance.

Allele frequency attached by ClinVar (database versions not stated): gnomAD exomes below 0.00001; ExAC 0.00001; TOPMed 0.00001; gnomAD 0.00003.
gnomAD v4.1: 8 of 1,613,724 alleles (0.0005%); highest among the groups gnomAD compares: African/African-American, 0.004%; no homozygotes.

Submissions (2):

Labcorp Genetics (formerly Invitae), Labcorp
Classification: Uncertain significance for Cardiomyopathy, familial restrictive, 3; Hypertrophic cardiomyopathy 2; Dilated cardiomyopathy 1D. Last evaluated: 2025-11-09. Review status: criteria provided, single submitter. Criteria: Invitae Variant Classification Sherloc (09022015). Collection method: clinical testing. Allele origin: germline.
Comment: This sequence change falls in intron 8 of the TNNT2 gene. It does not directly change the encoded amino acid sequence of the TNNT2 protein. It affects a nucleotide within the consensus splice site. This variant is present in population databases (rs758051932, gnomAD 0.003%). This variant has not been reported in the literature in individuals affected with TNNT2-related conditions. ClinVar contains an entry for this variant (Variation ID: 404399). Variants that disrupt the consensus splice site are a relatively common cause of aberrant splicing (PMID: 17576681, 9536098). Algorithms developed to predict the effect of sequence changes on RNA splicing suggest that this variant is not likely to affect RNA splicing. In summary, the available evidence is currently insufficient to determine the role of this variant in disease. Therefore, it has been classified as a Variant of Uncertain Significance.

All of Us Research Program, National Institutes of Health
Classification: Uncertain significance for Cardiomyopathy. Last evaluated: 2023-09-17. Review status: criteria provided, single submitter. Criteria: ACMG Guidelines, 2015. Collection method: clinical testing. Allele origin: germline. Inheritance: Autosomal dominant inheritance. Observed: 1 variant allele, 1 heterozygote.
Comment: This variant causes a C to T nucleotide substitution at the +6 position of intron 8 of the TNNT2 gene. To our knowledge, functional studies have not been reported for this variant. This variant has not been reported in individuals affected with TNNT2-related disorders in the literature. This variant has been identified in 1/250826 chromosomes in the general population by the Genome Aggregation Database (gnomAD). The available evidence is insufficient to determine the role of this variant in disease conclusively. Therefore, this variant is classified as a Variant of Uncertain Significance.

This study involves interpretation of variants in research participants for the purpose of population health screening. Participant phenotype was not available at the time of variant classification. Additional details can be found in publication PMID: 35346344, PMCID: PMC8962531

Literature cited by the submitters: PubMed 17576681 (cited by Labcorp Genetics (formerly Invitae), Labcorp); PubMed 9536098 (cited by Labcorp Genetics (formerly Invitae), Labcorp).